The following is an entry in ClinVar:

ClinVar aggregate classification (germline): Uncertain significance (1 of 4 stars; one submission).

Conditions:
Inflammatory bowel disease 28. Also called: Inflammatory bowel disease 28, early onset, autosomal recessive. Identifiers: Orphanet 238569, MedGen C2751053, MONDO:0013153, OMIM 613148.

Allele frequency attached by ClinVar (database versions not stated): gnomAD exomes below 0.00001; TOPMed below 0.00001; ExAC 0.00001; gnomAD 0.00001.
gnomAD v4.1: 1 of 1,613,634 alleles (0.000062%); highest among the groups gnomAD compares: Non-Finnish European, 0.000085%; no homozygotes.

Submission:

Labcorp Genetics (formerly Invitae), Labcorp
Classification: Uncertain significance for Inflammatory bowel disease 28. Last evaluated: 2024-03-27. Review status: criteria provided, single submitter. Criteria: Invitae Variant Classification Sherloc (09022015). Collection method: clinical testing. Allele origin: germline.
Comment: This sequence change replaces phenylalanine, which is neutral and non-polar, with valine, which is neutral and non-polar, at codon 180 of the IL10RA protein (p.Phe180Val). This variant is present in population databases (rs759799794, gnomAD 0.0009%). This variant has not been reported in the literature in individuals affected with IL10RA-related conditions. ClinVar contains an entry for this variant (Variation ID: 1060124). An algorithm developed to predict the effect of missense changes on protein structure and function (PolyPhen-2) suggests that this variant is likely to be tolerated. In summary, the available evidence is currently insufficient to determine the role of this variant in disease. Therefore, it has been classified as a Variant of Uncertain Significance.

NM_001558.4(IL10RA):c.538T>G (p.Phe180Val)

Gene: IL10RA (interleukin 10 receptor subunit alpha; plus strand). Cytogenetic location: 11q23.3.
Variant type: single nucleotide variant.
Coding change: c.538T>G on transcript NM_001558.4 (MANE Select); coding-DNA position 538, T replaced by G.
Protein change: p.Phe180Val; replaces phenylalanine 180 with valine.
Molecular consequence: missense variant. On other transcripts: non-coding transcript variant (1).
Genome position (GRCh38, 1-based): chr11:117,993,999, T>G. VCF-style: chr11-117993999-T-G. GRCh37 (hg19) VCF-style: chr11-117864714-T-G.
Other names: short protein forms F180V.
Identifiers: ClinVar variation 1060124 (VCV001060124.9), dbSNP rs759799794, ClinGen allele CA6298986.